The following is an entry in ClinVar:

NM_000553.6(WRN):c.3769C>G (p.Gln1257Glu)

Gene: WRN (WRN RecQ like helicase; plus strand). Cytogenetic location: 8p12.
Variant type: single nucleotide variant.
Coding change: c.3769C>G on transcript NM_000553.6 (MANE Select); coding-DNA position 3769, C replaced by G.
Protein change: p.Gln1257Glu; replaces glutamine 1257 with glutamic acid.
Molecular consequence: missense variant.
Genome position (GRCh38, 1-based): chr8:31,154,705, C>G. VCF-style: chr8-31154705-C-G. GRCh37 (hg19) VCF-style: chr8-31012221-C-G.
Other names: short protein forms Q1257E.
Identifiers: ClinVar variation 2101192 (VCV002101192.4), dbSNP rs2130470364, ClinGen allele CA370929144.

ClinVar aggregate classification (germline): Uncertain significance (1 of 4 stars; one submission).

Conditions:
Werner syndrome (WRN). Identifiers: Orphanet 902, MedGen C0043119, MONDO:0010196, OMIM 277700.

Submission:

Labcorp Genetics (formerly Invitae), Labcorp
Classification: Uncertain significance for Werner syndrome. Last evaluated: 2022-02-21. Review status: criteria provided, single submitter. Criteria: Invitae Variant Classification Sherloc (09022015). Collection method: clinical testing. Allele origin: germline.
Comment: This variant is not present in population databases (gnomAD no frequency). This variant has not been reported in the literature in individuals affected with WRN-related conditions. This sequence change replaces glutamine, which is neutral and polar, with glutamic acid, which is acidic and polar, at codon 1257 of the WRN protein (p.Gln1257Glu). In summary, the available evidence is currently insufficient to determine the role of this variant in disease. Therefore, it has been classified as a Variant of Uncertain Significance. Algorithms developed to predict the effect of missense changes on protein structure and function are either unavailable or do not agree on the potential impact of this missense change (SIFT: "Not Available"; PolyPhen-2: "Benign"; Align-GVGD: "Not Available").